The following is an entry in ClinVar:

NM_004329.2(BMPR1A):c.676delG

Gene: BMPR1A (bone morphogenetic protein receptor type 1A; plus strand). Cytogenetic location: 10q23.2.
Variant type: Deletion.
Coding change: c.676delG on transcript NM_004329.2; coding-DNA position 676, one base deleted (G).
Molecular consequence: intron variant (on NM_001406583.1).
Genome position (GRCh38, 1-based): chr10:86,917,134, G deleted; the last of 2 consecutive G bases (chr10:86,917,133-86,917,134); deleting either gives the same sequence. VCF-style (leftmost placement, unchanged base first): chr10-86917132-AG-A. GRCh37 (hg19) VCF-style: chr10-88676889-AG-A.
Other names: c.676-6del (NM_001406583.1).
Identifiers: ClinVar variation 422893 (VCV000422893.7), dbSNP rs1064796072, ClinGen allele CA16619003.

ClinVar aggregate classification (germline): Pathogenic/Likely pathogenic. Review status: criteria provided, multiple submitters, no conflicts (2 of 4 stars). 2 submissions from 2 submitters: Pathogenic (1); Likely pathogenic (1). Last evaluated 2023-11-19.

Conditions:
Juvenile polyposis syndrome (JPS). Identifiers: Orphanet 2929, MedGen C0345893, MONDO:0017380, OMIM 174900.

Submissions (2):

Labcorp Genetics (formerly Invitae), Labcorp
Classification: Pathogenic for Juvenile polyposis syndrome. Last evaluated: 2023-11-19. Review status: criteria provided, single submitter. Criteria: Invitae Variant Classification Sherloc (09022015). Collection method: clinical testing. Allele origin: germline.
Comment: This sequence change creates a premature translational stop signal (p.Val226Phefs*35) in the BMPR1A gene. It is expected to result in an absent or disrupted protein product. Loss-of-function variants in BMPR1A are known to be pathogenic (PMID: 11536076, 12417513). This variant is not present in population databases (gnomAD no frequency). This variant has not been reported in the literature in individuals affected with BMPR1A-related conditions. ClinVar contains an entry for this variant (Variation ID: 422893). Algorithms developed to predict the effect of sequence changes on RNA splicing suggest that this variant may disrupt the consensus splice site. For these reasons, this variant has been classified as Pathogenic.

GeneDx
Classification: Likely pathogenic. Last evaluated: 2016-12-15. Review status: criteria provided, single submitter. Criteria: GeneDx Variant Classification (06012015). Collection method: clinical testing. Allele origin: germline. Affected: yes.
Comment: The c.676delG variant in the BMPR1A gene is predicted to cause a frameshift starting with codon Valine 226, changes this amino acid to a Phenylalanine residue and creates a premature Stop codon at position 35 of the new reading frame, denoted p.Val226PhefsX35. Alternatively, as the deleted nucleotide is the first nucleotide of an exon, abnormal splicing may also occur. This variant is predicted to cause loss of normal protein function either through protein truncation or nonsense-mediated mRNA decay. Additionally, the c.676delG variant was not observed in approximately 6,500 individuals of European and African American ancestry in the NHLBI Exome Sequencing Project. Although this pathogenic variant has not been previously reported to our knowledge, this variant is likely pathogenic; however, the possibility that it is benign cannot be excluded.

Literature cited by the submitters: PubMed 11536076 (cited by Labcorp Genetics (formerly Invitae), Labcorp); PubMed 12417513 (cited by Labcorp Genetics (formerly Invitae), Labcorp).